The following is an entry in ClinVar:

NM_001886.3(CRYBA4):c.579_580delinsTT (p.Arg193_Ile194delinsSerPhe)

Gene: CRYBA4 (crystallin beta A4; plus strand). Cytogenetic location: 22q12.1.
Variant type: Indel.
Coding change: c.579_580delinsTT on transcript NM_001886.3 (MANE Select); coding-DNA positions 579 to 580, GA replaced by TT.
Protein change: p.Arg193_Ile194delinsSerPhe.
Molecular consequence: missense variant.
Genome position (GRCh38, 1-based): chr22:26,630,475-26,630,476, GA replaced by TT. VCF-style: chr22-26630475-GA-TT. GRCh37 (hg19) VCF-style: chr22-27026439-GA-TT.
Identifiers: ClinVar variation 4712076 (VCV004712076.1).
Genomic context (GRCh38, chr22:26,630,475, plus strand): 5'-CAAACATTTCCGGGAGTGGGGCTCTCATGCCCCGACCTTCCAGGTGCAGAGCATCCGCAG[GA>TT]TCCAGCAGTGAACAGGGGTGCGGCACGGAGGAGCGCATGCGTGCTTATCTGCAATGGAGG-3'

ClinVar aggregate classification (germline): Uncertain significance (1 of 4 stars; one submission).

Conditions:
Cataract 23 (CTRCT23). Also called: CATARACT 23, LAMELLAR; Cataract 23, multiple types. Identifiers: Orphanet 91492, MedGen C3808012, MONDO:0012489, OMIM 610425.

Submission:

Labcorp Genetics (formerly Invitae), Labcorp
Classification: Uncertain significance for Cataract 23. Last evaluated: 2025-07-04. Review status: criteria provided, single submitter. Criteria: Invitae Variant Classification Sherloc (09022015). Collection method: clinical testing. Allele origin: germline.
Comment: This variant, c.579_580delinsTT, is a complex sequence change that results in the deletion of 2 and insertion of 2 amino acid(s) in the CRYBA4 protein (p.Arg193_Ile194delinsSerPhe). Information on the frequency of this variant in the gnomAD database is not available, as this variant may be reported differently in the database. This variant has not been reported in the literature in individuals affected with CRYBA4-related conditions. Experimental studies and prediction algorithms are not available or were not evaluated, and the functional significance of this variant is currently unknown. In summary, the available evidence is currently insufficient to determine the role of this variant in disease. Therefore, it has been classified as a Variant of Uncertain Significance.